The following is an entry in ClinVar:

NM_017909.4(RMND1):c.260G>A (p.Arg87His)

Gene: RMND1 (required for meiotic nuclear division 1 homolog; minus strand). Cytogenetic location: 6q25.1.
Variant type: single nucleotide variant.
Coding change: c.260G>A on transcript NM_017909.4 (MANE Select); coding-DNA position 260, G replaced by A.
Protein change: p.Arg87His; replaces arginine 87 with histidine.
Molecular consequence: missense variant. On other transcripts: intron variant (1).
Genome position (GRCh38, 1-based): chr6:151,445,552, C>T on the plus strand (G>A on the coding strand, the complement: RMND1 is on the minus strand). VCF-style: chr6-151445552-C-T. GRCh37 (hg19) VCF-style: chr6-151766687-C-T.
Other names: c.-7+6464G>A (NM_001271937.2); c.260G>A (NM_017909.3, NM_017909.2); short protein forms R87H.
Identifiers: ClinVar variation 1366720 (VCV001366720.13), dbSNP rs142059662, ClinGen allele CA4051072.
Genomic context (GRCh38, chr6:151,445,552, plus strand): 5'-ACTCTCCTGTGAGTACCAAAGGATTTCATGGTTGGAAGGTGTGCCTTTTCATCTTGGCAA[C>T]GAGCAGCATTTAATGGAGACAGCATGCTGGTATCTGACTTTTTTTGGTTCATTTCCAGGA-3'
Protein context (NP_060379.2, residues 77-97): TSMLSPLNAA[Arg87His]CQDEKAHLPT

ClinVar aggregate classification (germline): Conflicting classifications of pathogenicity. Review status: criteria provided, conflicting classifications (1 of 4 stars). 6 submissions from 6 submitters: Uncertain significance (4); Likely benign (2). Last evaluated 2026-08-24.

Conditions:
Inborn genetic diseases. Identifiers: MedGen C0950123, MeSH D030342.
Combined oxidative phosphorylation defect type 11. Also called: ENCEPHALONEUROMYOPATHY, INFANTILE, DUE TO MITOCHONDRIAL TRANSLATION DEFECT; Combined oxidative phosphorylation deficiency 11. Identifiers: Orphanet 324535, MedGen C5190991, MONDO:0013969, OMIM 614922.
RMND1-related disorder. Also called: RMND1-related condition.

Allele frequency attached by ClinVar (database versions not stated): TOPMed 0.00008; gnomAD 0.00011; ExAC 0.00012; gnomAD exomes 0.00014 and 0.00021; ESP Exome Variant Server 0.00023.
gnomAD v4.1: 317 of 1,614,068 alleles (0.02%); highest among the groups gnomAD compares: Non-Finnish European, 0.026%; no homozygotes.

Submissions (6):

PreventionGenetics, part of Exact Sciences
Classification: Uncertain significance for RMND1-related condition. Last evaluated: 2026-08-24. Review status: criteria provided, single submitter. Criteria: ACMG Guidelines, 2015. Collection method: clinical testing. Allele origin: germline.
Comment: The RMND1 c.260G>A variant is predicted to result in the amino acid substitution p.Arg87His. To our knowledge, this variant has not been reported in the literature. This variant is reported in 0.026% of alleles in individuals of European (Non-Finnish) descent in gnomAD. At this time, the clinical significance of this variant is uncertain due to the absence of conclusive functional and genetic evidence.

GeneDx
Classification: Uncertain significance. Last evaluated: 2026-05-07. Review status: criteria provided, single submitter. Criteria: GeneDx Variant Classification Process June 2021. Collection method: clinical testing. Allele origin: germline.
Comment: In silico analysis suggests that this missense variant does not alter protein structure/function; Has not been previously published as pathogenic or benign to our knowledge

Blueprint Genetics
Classification: Likely benign. Last evaluated: 2024-10-30. Review status: criteria provided, single submitter. Criteria: ACMG Guidelines, 2015. Collection method: clinical testing. Allele origin: germline.

Labcorp Genetics (formerly Invitae), Labcorp
Classification: Uncertain significance. Last evaluated: 2024-07-23. Review status: criteria provided, single submitter. Criteria: Invitae Variant Classification Sherloc (09022015). Collection method: clinical testing. Allele origin: germline.
Comment: This sequence change replaces arginine, which is basic and polar, with histidine, which is basic and polar, at codon 87 of the RMND1 protein (p.Arg87His). This variant is present in population databases (rs142059662, gnomAD 0.03%). This variant has not been reported in the literature in individuals affected with RMND1-related conditions. ClinVar contains an entry for this variant (Variation ID: 1366720). An algorithm developed to predict the effect of missense changes on protein structure and function outputs the following: PolyPhen-2: "Benign". The histidine amino acid residue is found in multiple mammalian species, which suggests that this missense change does not adversely affect protein function. In summary, the available evidence is currently insufficient to determine the role of this variant in disease. Therefore, it has been classified as a Variant of Uncertain Significance.

Fulgent Genetics
Classification: Uncertain significance for Combined oxidative phosphorylation defect type 11. Last evaluated: 2024-06-05. Review status: criteria provided, single submitter. Criteria: ACMG Guidelines, 2015. Collection method: clinical testing. Allele origin: germline.

Ambry Genetics
Classification: Likely benign for Inborn genetic diseases. Last evaluated: 2021-11-29. Review status: criteria provided, single submitter. Criteria: Ambry Variant Classification Scheme 2023. Collection method: clinical testing. Allele origin: germline.